The following is an entry in ClinVar:

ClinVar aggregate classification (germline): Uncertain significance (1 of 4 stars; one submission).

Allele frequency attached by ClinVar (database versions not stated): gnomAD 0.00001; TOPMed 0.00001; ESP Exome Variant Server 0.00009.

Submission:

GeneDx
Classification: Uncertain significance. Last evaluated: 2017-01-27. Review status: criteria provided, single submitter. Criteria: GeneDx Variant Classification (06012015). Collection method: clinical testing. Allele origin: germline. Affected: yes.
Comment: The G21R variant in the AGTR2 gene has not been reported previously as a pathogenic variant, nor as a benign variant, to our knowledge. The G21R variant was not observed with any significant frequency in approximately 5300 individuals of European and African American ancestry in the NHLBI Exome Sequencing Project, indicating it is not a common benign variant in these populations. The G21R variant is a non-conservative amino acid substitution, which is likely to impact secondary protein structure as these residues differ in polarity, charge, size and/or other properties. However, this substitution occurs at a position that is not conserved, and in silico analysis predicts this variant likely does not alter the protein structure/function. We interpret G21R as a variant of uncertain significance.

NM_000686.5(AGTR2):c.61G>A (p.Gly21Arg)

Gene: AGTR2 (angiotensin II receptor type 2; plus strand). Cytogenetic location: Xq23.
Variant type: single nucleotide variant.
Coding change: c.61G>A on transcript NM_000686.5 (MANE Select); coding-DNA position 61, G replaced by A.
Protein change: p.Gly21Arg; replaces glycine 21 with arginine.
Molecular consequence: missense variant.
Genome position (GRCh38, 1-based): chrX:116,172,341, G>A. VCF-style: chrX-116172341-G-A. GRCh37 (hg19) VCF-style: chrX-115303594-G-A.
Other names: short protein forms G21R.
Identifiers: ClinVar variation 423148 (VCV000423148.2), dbSNP rs373687647, ClinGen allele CA16621185.